The following is an entry in ClinVar:

NM_003151.4(STAT4):c.715A>T (p.Lys239Ter)

Gene: STAT4 (signal transducer and activator of transcription 4; minus strand). Cytogenetic location: 2q32.2.
Variant type: single nucleotide variant.
Coding change: c.715A>T on transcript NM_003151.4 (MANE Select); coding-DNA position 715, A replaced by T.
Protein change: p.Lys239Ter; replaces lysine 239 with a stop codon.
Molecular consequence: nonsense.
Genome position (GRCh38, 1-based): chr2:191,064,874, T>A on the plus strand (A>T on the coding strand, the complement: STAT4 is on the minus strand). VCF-style: chr2-191064874-T-A. GRCh37 (hg19) VCF-style: chr2-191929600-T-A.
Other names: c.715A>T, p.Lys239Ter (NM_001243835.2); short protein forms K239*.
Identifiers: ClinVar variation 3704372 (VCV003704372.2).
Genomic context (GRCh38, chr2:191,064,874, plus strand): 5'-GAAGCTGGTCGAGCCCATTGTGGAGTGGACCCCCGATGCAGGCGATTTGCTGCCGCCGCT[T>A]CCAGTCTTGCAGCTCTTCTATGAGCATGGTGTTCATTAACAGGTCTGTCTCATGGATGAT-3'

ClinVar aggregate classification (germline): Uncertain significance (1 of 4 stars; one submission).

gnomAD v4.1: 1 of 1,613,442 alleles (0.000062%); highest among the groups gnomAD compares: Non-Finnish European, 0.000085%; no homozygotes.

Submission:

Labcorp Genetics (formerly Invitae), Labcorp
Classification: Uncertain significance. Last evaluated: 2024-09-02. Review status: criteria provided, single submitter. Criteria: Invitae Variant Classification Sherloc (09022015). Collection method: clinical testing. Allele origin: germline.
Comment: This sequence change creates a premature translational stop signal (p.Lys239*) in the STAT4 gene. It is expected to result in an absent or disrupted protein product. However, the current clinical and genetic evidence is not sufficient to establish whether loss-of-function variants in STAT4 cause disease. This variant is not present in population databases (gnomAD no frequency). This variant has not been reported in the literature in individuals affected with STAT4-related conditions. In summary, the available evidence is currently insufficient to determine the role of this variant in disease. Therefore, it has been classified as a Variant of Uncertain Significance.